The following is an entry in ClinVar:

NM_004329.3(BMPR1A):c.1075G>C (p.Ala359Pro)

Gene: BMPR1A (bone morphogenetic protein receptor type 1A; plus strand). Cytogenetic location: 10q23.2.
Variant type: single nucleotide variant.
Coding change: c.1075G>C on transcript NM_004329.3 (MANE Select); coding-DNA position 1075, G replaced by C.
Protein change: p.Ala359Pro; replaces alanine 359 with proline.
Molecular consequence: missense variant. On other transcripts: non-coding transcript variant (3).
Genome position (GRCh38, 1-based): chr10:86,919,378, G>C. VCF-style: chr10-86919378-G-C. GRCh37 (hg19) VCF-style: chr10-88679135-G-C.
Other names: c.991G>C, p.Ala331Pro (NM_001406584.1, NM_001406585.1, NM_001406586.1 and 2 more transcripts); c.733G>C, p.Ala245Pro (NM_001406589.1); c.1150G>C, p.Ala384Pro (NM_001406559.1); c.1123G>C, p.Ala375Pro (NM_001406560.1); c.1075G>C, p.Ala359Pro (NM_001406561.1, NM_001406562.1, NM_001406563.1 and 19 more transcripts); c.1069G>C, p.Ala357Pro (NM_001406583.1); short protein forms A245P, A331P, A357P, A375P, A384P, A359P.
Identifiers: ClinVar variation 5033017 (VCV005033017.1).

ClinVar aggregate classification (germline): Uncertain significance (1 of 4 stars; one submission).

Conditions:
Hereditary cancer-predisposing syndrome. Also called: Neoplastic Syndromes, Hereditary; Tumor predisposition; Hereditary neoplastic syndrome; Hereditary Cancer Syndrome. Identifiers: Orphanet 140162, MedGen C0027672, MeSH D009386, MONDO:0015356.

Submission:

Ambry Genetics
Classification: Uncertain significance for Hereditary cancer-predisposing syndrome. Last evaluated: 2026-07-07. Review status: criteria provided, single submitter. Criteria: Ambry Variant Classification Scheme 2023. Collection method: clinical testing. Allele origin: germline.
Comment: The p.A359P variant (also known as c.1075G>C), located in coding exon 8 of the BMPR1A gene, results from a G to C substitution at nucleotide position 1075. The alanine at codon 359 is replaced by proline, an amino acid with highly similar properties. This amino acid position is conserved. In addition, this alteration is predicted to be deleterious by in silico analysis. Based on the available evidence, the clinical significance of this variant remains unclear.